The following is an entry in ClinVar:

ClinVar aggregate classification (germline): Uncertain significance (1 of 4 stars; one submission).

Conditions:
Familial thoracic aortic aneurysm and aortic dissection (TAAD). Also called: Thoracic aortic aneurysms and dissections. Identifiers: Orphanet 91387, MedGen C4707243, MONDO:0019625.
Hereditary cancer-predisposing syndrome. Also called: Neoplastic Syndromes, Hereditary; Tumor predisposition; Hereditary neoplastic syndrome; Hereditary Cancer Syndrome. Identifiers: Orphanet 140162, MedGen C0027672, MeSH D009386, MONDO:0015356.

Submission:

Ambry Genetics
Classification: Uncertain significance for Hereditary cancer-predisposing syndrome; Familial thoracic aortic aneurysm and aortic dissection. Last evaluated: 2025-03-15. Review status: criteria provided, single submitter. Criteria: Ambry Variant Classification Scheme 2023. Collection method: clinical testing. Allele origin: germline.
Comment: The p.L23F variant (also known as c.69G>C), located in coding exon 1 of the SMAD4 gene, results from a G to C substitution at nucleotide position 69. The leucine at codon 23 is replaced by phenylalanine, an amino acid with highly similar properties. This amino acid position is conserved. In addition, this alteration is predicted to be deleterious by in silico analysis. Based on the available evidence, the clinical significance of this variant remains unclear.

NM_005359.6(SMAD4):c.69G>C (p.Leu23Phe)

Gene: SMAD4 (SMAD family member 4; plus strand). Cytogenetic location: 18q21.2.
Variant type: single nucleotide variant.
Coding change: c.69G>C on transcript NM_005359.6 (MANE Select); coding-DNA position 69, G replaced by C.
Protein change: p.Leu23Phe; replaces leucine 23 with phenylalanine.
Molecular consequence: missense variant. On other transcripts: non-coding transcript variant (2).
Genome position (GRCh38, 1-based): chr18:51,047,115, G>C. VCF-style: chr18-51047115-G-C. GRCh37 (hg19) VCF-style: chr18-48573485-G-C.
Other names: c.69G>C, p.Leu23Phe (NM_001407041.1, NM_001407042.1, NM_001407043.1); short protein forms L23F.
Identifiers: ClinVar variation 4042126 (VCV004042126.1).